The following is an entry in ClinVar:

NM_021628.3(ALOXE3):c.1002C>T (p.Ala334=)

Genes: ALOXE3 (arachidonate epidermal lipoxygenase 3; minus strand), LOC130060198 (ATAC-STARR-seq lymphoblastoid silent region 8151; plus strand). Cytogenetic location: 17p13.1.
Variant type: single nucleotide variant.
Coding change: c.1002C>T on transcript NM_021628.3 (MANE Select); coding-DNA position 1002, C replaced by T.
Protein change: p.Ala334=; no amino-acid change (alanine 334 retained).
Molecular consequence: synonymous variant.
Genome position (GRCh38, 1-based): chr17:8,110,484, G>A on the plus strand (C>T on the coding strand, the complement: ALOXE3 is on the minus strand). VCF-style: chr17-8110484-G-A. GRCh37 (hg19) VCF-style: chr17-8013802-G-A.
Other names: c.1002C>T (NM_021628.2); c.1398C>T, p.Ala466= (NM_001165960.1); c.999C>T, p.Ala333= (NM_001369446.1).
Identifiers: ClinVar variation 3013073 (VCV003013073.5), dbSNP rs372295602, ClinGen allele CA287525779.
Genomic context (GRCh38, chr17:8,110,484, plus strand): 5'-CCACAGCAGGCACAGTGGGGCGGCCACGTACTGCTGGCGGCCGTTTAGGCAGTGGGTGGG[G>A]GCCTCCGCCAGGATCCAGTAGTCCGCTAGGAAGATGTTCCCCCTCTGCAGAAGGCACACA-3'
Protein context (NP_067641.2, residues 324-344): FLADYWILAE[Ala334=]PTHCLNGRQQ

ClinVar aggregate classification (germline): Likely benign. Review status: criteria provided, single submitter (1 of 4 stars). 2 submissions from 2 submitters: Likely benign (1). 1 of the submissions does not count toward it. Last evaluated 2022-12-21.

Conditions:
ALOXE3-related disorder. Also called: ALOXE3-related condition.

Allele frequency attached by ClinVar (database versions not stated): gnomAD 0.00001; TOPMed 0.00001.
gnomAD v4.1: 20 of 1,613,898 alleles (0.0012%); highest among the groups gnomAD compares: African/African-American, 0.023%; no homozygotes.

Submissions (2):

Labcorp Genetics (formerly Invitae), Labcorp
Classification: Likely benign. Last evaluated: 2022-12-21. Review status: criteria provided, single submitter. Criteria: Invitae Variant Classification Sherloc (09022015). Collection method: clinical testing. Allele origin: germline.

PreventionGenetics, part of Exact Sciences
Classification: Likely benign for ALOXE3-related condition. Last evaluated: 2020-07-21. Review status: no assertion criteria provided. Collection method: clinical testing. Allele origin: germline. Not counted in ClinVar's aggregate classification.
Comment: This variant is classified as likely benign based on ACMG/AMP sequence variant interpretation guidelines (Richards et al. 2015 PMID: 25741868, with internal and published modifications).